The following is an entry in ClinVar:

ClinVar aggregate classification (germline): Pathogenic (1 of 4 stars; one submission).

Submissions (7):

GeneDx
Classification: Pathogenic. Last evaluated: 2020-09-14. Review status: criteria provided, single submitter. Criteria: GeneDx Variant Classification Process June 2021. Collection method: clinical testing. Allele origin: germline. Affected: yes.
Comment: Not observed in large population cohorts (Lek et al., 2016); Missense variants in this gene are often considered pathogenic (Stenson et al., 2014); In silico analysis supports that this missense variant has a deleterious effect on protein structure/function; This substitution is predicted to be within the C-terminal cytoplasmic domain; This variant is associated with the following publications: (PMID: 28837158, 27888506, 29694806)

Channelopathy-Associated Epilepsy Research Center
No classification provided (evidence only). Condition: Complex neurodevelopmental disorder. Review status: no classification provided. Collection method: literature only. Allele origin: not applicable. Functional consequence: Severe decrease in peak current, Severe slowing of activation, Severe hyperpolarizing shift of voltage dependence of activation. Not counted in ClinVar's aggregate classification.
ClinVar note: "not provided" was previously submitted as the classification for the variant. However, the classification appeared to be based only on an observation of functional data so it was converted to no classification on 2025-07-30.

Channelopathy-Associated Epilepsy Research Center
No classification provided (evidence only). Review status: no classification provided. Collection method: in vitro. Allele origin: not applicable. Functional consequence: Normal peak current. Not counted in ClinVar's aggregate classification.

Channelopathy-Associated Epilepsy Research Center
No classification provided (evidence only). Review status: no classification provided. Collection method: in vitro. Allele origin: not applicable. Functional consequence: Normal peak current. Not counted in ClinVar's aggregate classification.

Channelopathy-Associated Epilepsy Research Center
No classification provided (evidence only). Review status: no classification provided. Collection method: in vitro. Allele origin: not applicable. Functional consequence: Hyperpolarizing shift of voltage dependence of activation. Not counted in ClinVar's aggregate classification.

Channelopathy-Associated Epilepsy Research Center
No classification provided (evidence only). Review status: no classification provided. Collection method: in vitro. Allele origin: not applicable. Functional consequence: Normal slope of activation. Not counted in ClinVar's aggregate classification.

Channelopathy-Associated Epilepsy Research Center
No classification provided (evidence only). Review status: no classification provided. Collection method: in vitro. Allele origin: not applicable. Functional consequence: Slowing of activation. Not counted in ClinVar's aggregate classification.

Literature cited by the submitters: PubMed 35104249 (cited by Channelopathy-Associated Epilepsy Research Center).

NM_172107.4(KCNQ2):c.1700T>A (p.Val567Asp)

Gene: KCNQ2 (potassium voltage-gated channel subfamily Q member 2; minus strand). Cytogenetic location: 20q13.33.
Variant type: single nucleotide variant.
Coding change: c.1700T>A on transcript NM_172107.4 (MANE Select); coding-DNA position 1700, T replaced by A.
Protein change: p.Val567Asp; replaces valine 567 with aspartic acid.
Molecular consequence: missense variant.
Genome position (GRCh38, 1-based): chr20:63,413,513, A>T on the plus strand (T>A on the coding strand, the complement: KCNQ2 is on the minus strand). VCF-style: chr20-63413513-A-T. GRCh37 (hg19) VCF-style: chr20-62044866-A-T.
Other names: c.1616T>A, p.Val539Asp (NM_004518.6); c.1646T>A, p.Val549Asp (NM_172106.3); c.1607T>A, p.Val536Asp (NM_172108.5); short protein forms V567D, V549D, V536D, V539D.
Identifiers: ClinVar variation 429666 (VCV000429666.6), dbSNP rs1131691518, ClinGen allele CA409643696.